The following is an entry in ClinVar:

NM_001267550.2(TTN):c.46831_46837dup (p.Ile15613fs)

Genes: TTN (titin; minus strand), TTN-AS1 (TTN antisense RNA 1; plus strand). Cytogenetic location: 2q31.2.
Variant type: Duplication.
Coding change: c.46831_46837dup on transcript NM_001267550.2 (MANE Select); coding-DNA positions 46831 to 46837, 7 bases duplicated (AAAACCA; older notation c.46831_46837dupAAAACCA).
Protein change: p.Ile15613fs; shifts the reading frame from isoleucine 15613.
Molecular consequence: frameshift variant.
Genome position (GRCh38, 1-based): chr2:178,618,713-178,618,719, TGGTTTT duplicated on the plus strand (AAAACCA on the coding strand, the reverse complement: TTN is on the minus strand); duplicating any 7 consecutive bases within chr2:178,618,713-178,618,721 gives the same sequence; the c. name uses the placement nearest the transcript's 3' end. VCF-style (leftmost placement, unchanged base first): chr2-178618712-A-ATGGTTTT. GRCh37 (hg19) VCF-style: chr2-179483439-A-ATGGTTTT.
Other names: c.41908_41914dup, p.Ile13972fs (NM_001256850.1); c.19636_19642dup, p.Ile6548fs (NM_003319.4); c.39127_39133dup, p.Ile13045fs (NM_133378.4); c.20011_20017dup, p.Ile6673fs (NM_133432.3); c.20212_20218dup, p.Ile6740fs (NM_133437.4); short protein forms I13972fs, I6548fs, I13045fs, I15613fs, I6673fs, I6740fs.
Identifiers: ClinVar variation 2948177 (VCV002948177.3), dbSNP rs2470913228, ClinGen allele CA2740096132.
Genomic context (GRCh38, chr2:178,618,712, plus strand): 5'-CCTTTGTCTCCTTTCTTGGCTTCTAAAATTCTGAAAGAAGTTTGTTCAGCCGTAGTATCA[A>ATGGTTTT]TGGTTTTTGTAGATAAAGGTTCATTTTCTTTAAACCATTCAGCTTCTGCTTTGGGGTAGG-3'

ClinVar aggregate classification (germline): Likely pathogenic (1 of 4 stars; one submission).

Conditions:
Dilated cardiomyopathy 1G (CMD1G). Identifiers: Orphanet 154, MedGen C1858763, MONDO:0011400, OMIM 604145.
Autosomal recessive limb-girdle muscular dystrophy type 2J (LGMDR10). Also called: Limb-girdle muscular dystrophy, type 2J; MUSCULAR DYSTROPHY, LIMB-GIRDLE, AUTOSOMAL RECESSIVE 10. Identifiers: Orphanet 140922, MedGen C1837342, MONDO:0012127, OMIM 608807.

Submission:

Labcorp Genetics (formerly Invitae), Labcorp
Classification: Likely pathogenic for Dilated cardiomyopathy 1G; Autosomal recessive limb-girdle muscular dystrophy type 2J. Last evaluated: 2024-10-18. Review status: criteria provided, single submitter. Criteria: Invitae Variant Classification Sherloc (09022015). Collection method: clinical testing. Allele origin: germline.
Comment: This sequence change creates a premature translational stop signal (p.Ile15613Lysfs*4) in the TTN gene. While this is not anticipated to result in nonsense mediated decay, it is expected to create a truncated TTN protein. This variant is not present in population databases (gnomAD no frequency). This variant has not been reported in the literature in individuals affected with TTN-related conditions. This variant is located in the I band of TTN (PMID: 25589632). Truncating variants in this region have been reported in individuals affected with autosomal recessive centronuclear myopathy (PMID: 23975875, internal data). Truncating variants in this region have also been identified in individuals affected with autosomal dominant dilated cardiomyopathy and/or cardio-related conditions (PMID: 27869827, 32964742, internal data). In summary, the currently available evidence indicates that the variant is pathogenic, but additional data are needed to prove that conclusively. Therefore, this variant has been classified as Likely Pathogenic.

Literature cited by the submitters: PubMed 25589632; PubMed 23975875; PubMed 27869827; PubMed 32964742.